The following is an entry in ClinVar:

ClinVar aggregate classification (germline): Uncertain significance (1 of 4 stars; one submission).

Submission:

Labcorp Genetics (formerly Invitae), Labcorp
Classification: Uncertain significance. Last evaluated: 2024-11-16. Review status: criteria provided, single submitter. Criteria: Invitae Variant Classification Sherloc (09022015). Collection method: clinical testing. Allele origin: germline.
Comment: This sequence change replaces arginine, which is basic and polar, with cysteine, which is neutral and slightly polar, at codon 350 of the ZBTB20 protein (p.Arg350Cys). This variant is not present in population databases (gnomAD no frequency). This variant has not been reported in the literature in individuals affected with ZBTB20-related conditions. Invitae Evidence Modeling of protein sequence and biophysical properties (such as structural, functional, and spatial information, amino acid conservation, physicochemical variation, residue mobility, and thermodynamic stability) indicates that this missense variant is not expected to disrupt ZBTB20 protein function with a negative predictive value of 95%. In summary, the available evidence is currently insufficient to determine the role of this variant in disease. Therefore, it has been classified as a Variant of Uncertain Significance.

NM_001348800.3(ZBTB20):c.1048C>T (p.Arg350Cys)

Gene: ZBTB20 (zinc finger and BTB domain containing 20; minus strand). Cytogenetic location: 3q13.31.
Variant type: single nucleotide variant.
Coding change: c.1048C>T on transcript NM_001348800.3 (MANE Select); coding-DNA position 1048, C replaced by T.
Protein change: p.Arg350Cys; replaces arginine 350 with cysteine.
Molecular consequence: missense variant.
Genome position (GRCh38, 1-based): chr3:114,351,030, G>A on the plus strand (C>T on the coding strand, the complement: ZBTB20 is on the minus strand). VCF-style: chr3-114351030-G-A. GRCh37 (hg19) VCF-style: chr3-114069877-G-A.
Other names: c.1048C>T, p.Arg350Cys (NM_001164342.2, NM_001348803.3, NM_001393393.1 and 1 more transcripts); c.829C>T, p.Arg277Cys (NM_001164343.2, NM_001164344.4, NM_001164345.4 and 9 more transcripts); short protein forms R350C, R277C.
Identifiers: ClinVar variation 3683502 (VCV003683502.2).
Genomic context (GRCh38, chr3:114,351,030, plus strand): 5'-GCTCACTCTCGGTGCCCTCGGCCTGGTCTGTGTCTTCCGTGCACTCCTCGGATTCGTTGC[G>A]TTCCAGGATCTGCACCCTTTGCTGCCCGTAGTAGTCGTAATCGTCCTCCATCTCCTGCTT-3'
Protein context (NP_001335729.1, residues 340-360): YGQQRVQILE[Arg350Cys]NESEECTEDT